The following is an entry in ClinVar:

ClinVar aggregate classification (germline): Likely benign. Review status: criteria provided, multiple submitters, no conflicts (2 of 4 stars). 5 submissions from 5 submitters: Likely benign (5). Last evaluated 2026-07-04.

Conditions:
Cardiomyopathy (CMYO). Also called: Cardiomyopathies. Identifiers: Orphanet 167848, MedGen C0878544, MONDO:0004994, HP:0001638. Inheritance: Various modes of inheritance.
Cardiovascular phenotype. Identifiers: MedGen CN230736.
Hypertrophic cardiomyopathy. Also called: HYPERTROPHIC MYOCARDIOPATHY. Identifiers: Orphanet 217569, MedGen C0007194, MeSH D002312, MONDO:0005045, HP:0001639.

Allele frequency attached by ClinVar (database versions not stated): TOPMed below 0.00001; gnomAD 0.00001; gnomAD exomes 0.00001.
gnomAD v4.1: 8 of 1,613,734 alleles (0.0005%); highest among the groups gnomAD compares: Non-Finnish European, 0.00068%; no homozygotes.

Submissions (5):

Ambry Genetics
Classification: Likely benign for Cardiovascular phenotype. Last evaluated: 2026-07-04. Review status: criteria provided, single submitter. Criteria: Ambry Variant Classification Scheme 2023. Collection method: clinical testing. Allele origin: germline.

Labcorp Genetics (formerly Invitae), Labcorp
Classification: Likely benign for Hypertrophic cardiomyopathy. Last evaluated: 2025-12-29. Review status: criteria provided, single submitter. Criteria: Invitae Variant Classification Sherloc (09022015). Collection method: clinical testing. Allele origin: germline.

All of Us Research Program, National Institutes of Health
Classification: Likely benign for Hypertrophic cardiomyopathy. Last evaluated: 2024-09-23. Review status: criteria provided, single submitter. Criteria: ACMG Guidelines, 2015. Collection method: clinical testing. Allele origin: germline. Inheritance: Autosomal dominant inheritance. Observed: 1 variant allele, 1 heterozygote.
Comment: This study involves interpretation of variants in research participants for the purpose of population health screening. Participant phenotype was not available at the time of variant classification. Additional details can be found in publication PMID: 35346344, PMCID: PMC8962531

Color Diagnostics, LLC DBA Color Health
Classification: Likely benign for Cardiomyopathy. Last evaluated: 2021-12-21. Review status: criteria provided, single submitter. Criteria: ACMG Guidelines, 2015. Collection method: clinical testing. Allele origin: germline.

Blueprint Genetics
Classification: Likely benign. Last evaluated: 2021-04-12. Review status: criteria provided, single submitter. Criteria: ACMG Guidelines, 2015. Collection method: clinical testing. Allele origin: germline.

NM_000256.3(MYBPC3):c.1083G>A (p.Lys361=)

Gene: MYBPC3 (myosin binding protein C3; minus strand). Cytogenetic location: 11p11.2.
Variant type: single nucleotide variant.
Coding change: c.1083G>A on transcript NM_000256.3 (MANE Select); coding-DNA position 1083, G replaced by A.
Protein change: p.Lys361=; no amino-acid change (lysine 361 retained).
Molecular consequence: synonymous variant.
Genome position (GRCh38, 1-based): chr11:47,346,214, C>T on the plus strand (G>A on the coding strand, the complement: MYBPC3 is on the minus strand). VCF-style: chr11-47346214-C-T. GRCh37 (hg19) VCF-style: chr11-47367765-C-T.
Identifiers: ClinVar variation 2773754 (VCV002773754.8), dbSNP rs781216464, ClinGen allele CA221700782.